The following is an entry in ClinVar:

NM_001166108.2(PALLD):c.934C>T (p.His312Tyr)

Gene: PALLD (palladin, cytoskeletal associated protein; plus strand). Cytogenetic location: 4q32.3.
Variant type: single nucleotide variant.
Coding change: c.934C>T on transcript NM_001166108.2 (MANE Select); coding-DNA position 934, C replaced by T.
Protein change: p.His312Tyr; replaces histidine 312 with tyrosine.
Molecular consequence: missense variant. On other transcripts: 5 prime UTR variant (1).
Genome position (GRCh38, 1-based): chr4:168,668,215, C>T. VCF-style: chr4-168668215-C-T. GRCh37 (hg19) VCF-style: chr4-169589366-C-T.
Other names: c.-213C>T (NM_001166109.2); c.934C>T, p.His312Tyr (NM_016081.4); short protein forms H312Y.
Identifiers: ClinVar variation 1766653 (VCV001766653.2), dbSNP rs2531424417, ClinGen allele CA358793633.

ClinVar aggregate classification (germline): Uncertain significance (1 of 4 stars; one submission).

Allele frequency attached by ClinVar (database versions not stated): gnomAD exomes below 0.00001.
gnomAD v4.1: 3 of 1,614,150 alleles (0.00019%); highest among the groups gnomAD compares: Middle Eastern, 0.016%; no homozygotes.

Submission:

Ambry Genetics
Classification: Uncertain significance. Last evaluated: 2021-06-29. Review status: criteria provided, single submitter. Criteria: Ambry Variant Classification Scheme 2023. Collection method: clinical testing. Allele origin: germline.
Comment: The p.H312Y variant (also known as c.934C>T), located in coding exon 2 of the PALLD gene, results from a C to T substitution at nucleotide position 934. The histidine at codon 312 is replaced by tyrosine, an amino acid with similar properties. This amino acid position is conserved. In addition, this alteration is predicted to be tolerated by in silico analysis. Since supporting evidence is limited at this time, the clinical significance of this alteration remains unclear.